The following is an entry in ClinVar:

NM_173354.5(SIK1):c.1805T>C (p.Leu602Pro)

Gene: SIK1 (salt inducible kinase 1; minus strand). Cytogenetic location: 21q22.3.
Variant type: single nucleotide variant.
Coding change: c.1805T>C on transcript NM_173354.5 (MANE Select); coding-DNA position 1805, T replaced by C.
Protein change: p.Leu602Pro; replaces leucine 602 with proline.
Molecular consequence: missense variant.
Genome position (GRCh38, 1-based): chr21:43,417,714, A>G on the plus strand (T>C on the coding strand, the complement: SIK1 is on the minus strand). VCF-style: chr21-43417714-A-G. GRCh37 (hg19) VCF-style: chr21-44837594-A-G.
Other names: short protein forms L602P.
Identifiers: ClinVar variation 2753697 (VCV002753697.3), dbSNP rs2516964706, ClinGen allele CA410607262.

ClinVar aggregate classification (germline): Uncertain significance (1 of 4 stars; one submission).

Conditions:
Developmental and epileptic encephalopathy, 30 (DEE30). Also called: Epileptic encephalopathy, early infantile, 30. Identifiers: MedGen C4225360, MONDO:0014595, OMIM 616341.

Submission:

Labcorp Genetics (formerly Invitae), Labcorp
Classification: Uncertain significance for Developmental and epileptic encephalopathy, 30. Last evaluated: 2023-12-22. Review status: criteria provided, single submitter. Criteria: Invitae Variant Classification Sherloc (09022015). Collection method: clinical testing. Allele origin: germline.
Comment: This sequence change replaces leucine, which is neutral and non-polar, with proline, which is neutral and non-polar, at codon 602 of the SIK1 protein (p.Leu602Pro). This variant is not present in population databases (gnomAD no frequency). This variant has not been reported in the literature in individuals affected with SIK1-related conditions. Advanced modeling of protein sequence and biophysical properties (such as structural, functional, and spatial information, amino acid conservation, physicochemical variation, residue mobility, and thermodynamic stability) performed at Invitae indicates that this missense variant is not expected to disrupt SIK1 protein function with a negative predictive value of 95%. In summary, the available evidence is currently insufficient to determine the role of this variant in disease. Therefore, it has been classified as a Variant of Uncertain Significance.